The following is an entry in ClinVar:

NM_198506.5(LRIT3):c.1696T>C (p.Cys566Arg)

Gene: LRIT3 (leucine rich repeat, Ig-like and transmembrane domains 3; plus strand). Cytogenetic location: 4q25.
Variant type: single nucleotide variant.
Coding change: c.1696T>C on transcript NM_198506.5 (MANE Select); coding-DNA position 1696, T replaced by C.
Protein change: p.Cys566Arg; replaces cysteine 566 with arginine.
Molecular consequence: missense variant.
Genome position (GRCh38, 1-based): chr4:109,870,445, T>C. VCF-style: chr4-109870445-T-C. GRCh37 (hg19) VCF-style: chr4-110791601-T-C.
Other names: short protein forms C566R.
Identifiers: ClinVar variation 1492120 (VCV001492120.3), dbSNP rs759696071, ClinGen allele CA3043243.
Genomic context (GRCh38, chr4:109,870,445, plus strand): 5'-CCCGGTGGGCAATACATGGCCTGTGTCTGTCCAAAAGGAGTGCCTCCCCAGAAAGACCAA[T>C]GCATCACCTTTTCTACTGAAAGAGTTGAAGGAGATGATTCTCAATGGTCTCTCCTTCTCG-3'
Protein context (NP_940908.3, residues 556-576): PKGVPPQKDQ[Cys566Arg]ITFSTERVEG

ClinVar aggregate classification (germline): Uncertain significance (1 of 4 stars; one submission).

Allele frequency attached by ClinVar (database versions not stated): TOPMed below 0.00001; ExAC 0.00002; gnomAD 0.00003 and 0.00004; gnomAD exomes 0.00004.
gnomAD v4.1: 57 of 1,614,070 alleles (0.0035%); highest among the groups gnomAD compares: Non-Finnish European, 0.0016%; no homozygotes.

Submission:

Labcorp Genetics (formerly Invitae), Labcorp
Classification: Uncertain significance. Last evaluated: 2021-09-21. Review status: criteria provided, single submitter. Criteria: Invitae Variant Classification Sherloc (09022015). Collection method: clinical testing. Allele origin: germline.
Comment: This sequence change replaces cysteine with arginine at codon 566 of the LRIT3 protein (p.Cys566Arg). The cysteine residue is highly conserved and there is a large physicochemical difference between cysteine and arginine. This variant is present in population databases (rs759696071, ExAC 0.02%). This variant has not been reported in the literature in individuals affected with LRIT3-related conditions. Algorithms developed to predict the effect of missense changes on protein structure and function are either unavailable or do not agree on the potential impact of this missense change (SIFT: "Deleterious"; PolyPhen-2: "Probably Damaging"; Align-GVGD: "Class C0"). In summary, the available evidence is currently insufficient to determine the role of this variant in disease. Therefore, it has been classified as a Variant of Uncertain Significance.